The following is an entry in ClinVar:

ClinVar aggregate classification (germline): Uncertain significance. Review status: criteria provided, multiple submitters, no conflicts (2 of 4 stars). 3 submissions from 3 submitters: Uncertain significance (3). Last evaluated 2025-07-02.

Conditions:
Long QT syndrome (LQTS). Identifiers: MedGen C0023976, MeSH D008133, MONDO:0002442. Disease mechanism: loss of function. Inheritance: Various modes of inheritance.
Long QT syndrome 11 (LQT11). Identifiers: Orphanet 101016, Orphanet 768, MedGen C2678483, MONDO:0012738, OMIM 611820.
Cardiovascular phenotype. Identifiers: MedGen CN230736.

Allele frequency attached by ClinVar (database versions not stated): gnomAD exomes below 0.00001; ExAC 0.00001; gnomAD 0.00003 and 0.00004.
gnomAD v4.1: 7 of 1,613,972 alleles (0.00043%); highest among the groups gnomAD compares: African/African-American, 0.008%; no homozygotes.

Submissions (3):

Ambry Genetics
Classification: Uncertain significance for Cardiovascular phenotype. Last evaluated: 2025-07-02. Review status: criteria provided, single submitter. Criteria: Ambry Variant Classification Scheme 2023. Collection method: clinical testing. Allele origin: germline.

Labcorp Genetics (formerly Invitae), Labcorp
Classification: Uncertain significance for Long QT syndrome. Last evaluated: 2024-02-05. Review status: criteria provided, single submitter. Criteria: Invitae Variant Classification Sherloc (09022015). Collection method: clinical testing. Allele origin: germline.
Comment: This sequence change replaces serine, which is neutral and polar, with threonine, which is neutral and polar, at codon 3580 of the AKAP9 protein (p.Ser3580Thr). This variant is present in population databases (rs767035977, gnomAD 0.008%). This variant has not been reported in the literature in individuals affected with AKAP9-related conditions. ClinVar contains an entry for this variant (Variation ID: 1416994). Algorithms developed to predict the effect of missense changes on protein structure and function output the following: SIFT: "Not Available"; PolyPhen-2: "Benign"; Align-GVGD: "Not Available". The threonine amino acid residue is found in multiple mammalian species, which suggests that this missense change does not adversely affect protein function. In summary, the available evidence is currently insufficient to determine the role of this variant in disease. Therefore, it has been classified as a Variant of Uncertain Significance.

Fulgent Genetics
Classification: Uncertain significance for Long QT syndrome 11. Last evaluated: 2021-09-02. Review status: criteria provided, single submitter. Criteria: ACMG Guidelines, 2015. Collection method: clinical testing. Allele origin: unknown.

NM_005751.5(AKAP9):c.10738T>A (p.Ser3580Thr)

Gene: AKAP9 (A-kinase anchoring protein 9; plus strand). Cytogenetic location: 7q21.2.
Variant type: single nucleotide variant.
Coding change: c.10738T>A on transcript NM_005751.5 (MANE Select); coding-DNA position 10738, T replaced by A.
Protein change: p.Ser3580Thr; replaces serine 3580 with threonine.
Molecular consequence: missense variant.
Genome position (GRCh38, 1-based): chr7:92,099,711, T>A. VCF-style: chr7-92099711-T-A. GRCh37 (hg19) VCF-style: chr7-91729025-T-A.
Other names: c.5383T>A, p.Ser1795Thr (NM_001379277.1); c.10714T>A, p.Ser3572Thr (NM_147185.3); short protein forms S3580T, S1795T, S3572T.
Identifiers: ClinVar variation 1416994 (VCV001416994.12), dbSNP rs767035977, ClinGen allele CA4338019.
Genomic context (GRCh38, chr7:92,099,711, plus strand): 5'-GTGCTTAAGTGACCTTACACCATTTTATTTTTCCAGCCCAGCTTGGTGTCCCCAAGTACT[T>A]CTTGTGGCTCATTGACTGAAAGACTACTGAGACAAAATGCTGAGCTGACAGGGCATATCA-3'
Protein context (NP_005742.4, residues 3570-3590): EEPSLVSPST[Ser3580Thr]CGSLTERLLR